The following is an entry in ClinVar:

NM_000443.4(ABCB4):c.2301del (p.Phe767fs)

Gene: ABCB4 (ATP binding cassette subfamily B member 4; minus strand). Cytogenetic location: 7q21.12.
Variant type: Deletion.
Coding change: c.2301del on transcript NM_000443.4 (MANE Select); coding-DNA position 2301, one base deleted (T; older notation c.2301delT).
Protein change: p.Phe767fs; shifts the reading frame from phenylalanine 767.
Molecular consequence: frameshift variant.
Genome position (GRCh38, 1-based): chr7:87,422,136, A deleted on the plus strand (T on the coding strand, the reverse complement: ABCB4 is on the minus strand); the first of 7 consecutive A bases (chr7:87,422,136-87,422,142); deleting any one gives the same sequence. VCF-style (leftmost placement, unchanged base first): chr7-87422135-TA-T. GRCh37 (hg19) VCF-style: chr7-87051451-TA-T.
Other names: c.2301del, p.Phe767fs (NM_018849.3, NM_018850.3); short protein forms F767fs.
Identifiers: ClinVar variation 5001544 (VCV005001544.1).

ClinVar aggregate classification (germline): Likely pathogenic (1 of 4 stars; one submission).

Conditions:
ABCB4-related disorder. Also called: ABCB4-related disorders; ABCB4-related condition.

Submission:

PreventionGenetics, part of Exact Sciences
Classification: Likely pathogenic for ABCB4-related condition. Last evaluated: 2026-07-01. Review status: criteria provided, single submitter. Criteria: ACMG Guidelines, 2015. Collection method: clinical testing. Allele origin: germline.
Comment: The ABCB4 c.2301delT variant is predicted to result in a frameshift and premature protein termination (p.Phe767Leufs*30). To our knowledge, this variant has not been reported in the literature or in a large population database (gnomAD), indicating this variant is rare. Frameshift variants in ABCB4 are expected to be pathogenic. This variant is interpreted as likely pathogenic.